The following is an entry in ClinVar:

ClinVar aggregate classification (germline): Likely pathogenic (1 of 4 stars; one submission).

Conditions:
Inflammatory bowel disease (infantile ulcerative colitis) 31, autosomal recessive (IBD31). Also called: INFLAMMATORY BOWEL DISEASE, EARLY-ONSET, AUTOSOMAL RECESSIVE. Identifiers: MedGen C5444224, MONDO:0030314, OMIM 619398.

gnomAD v4.1: 10 of 1,614,088 alleles (0.00062%); highest among the groups gnomAD compares: Non-Finnish European, 0.00085%; no homozygotes.

Submission:

First Genomix Gene Laboratory, Genetic Diagnostics Department
Classification: Likely pathogenic for Inflammatory bowel disease (infantile ulcerative colitis) 31, autosomal recessive. Last evaluated: 2025-10-10. Review status: criteria provided, single submitter. Criteria: ACMG Guidelines, 2015. Collection method: clinical testing. Allele origin: germline. Inheritance: Autosomal recessive inheritance. Affected: no. Observed: 1 variant allele.

NM_014439.4(IL37):c.363C>A (p.Tyr121Ter)

Gene: IL37 (interleukin 37; plus strand). Cytogenetic location: 2q14.1.
Variant type: single nucleotide variant.
Coding change: c.363C>A on transcript NM_014439.4 (MANE Select); coding-DNA position 363, C replaced by A.
Protein change: p.Tyr121Ter; replaces tyrosine 121 with a stop codon.
Molecular consequence: nonsense.
Genome position (GRCh38, 1-based): chr2:112,917,732, C>A. VCF-style: chr2-112917732-C-A. GRCh37 (hg19) VCF-style: chr2-113675309-C-A.
Other names: c.300C>A, p.Tyr100Ter (NM_173202.2); c.180C>A, p.Tyr60Ter (NM_173203.2); c.243C>A, p.Tyr81Ter (NM_173204.2); c.285C>A, p.Tyr95Ter (NM_173205.2); short protein forms Y100*, Y121*, Y60*, Y81*, Y95*.
Identifiers: ClinVar variation 4850454 (VCV004850454.1).